The following is an entry in ClinVar:

ClinVar aggregate classification (germline): Pathogenic (1 of 4 stars; one submission).

Conditions:
Marfan syndrome (MFS). Also called: MARFAN SYNDROME, TYPE I; Marfan syndrome type 1; Marfan's syndrome; Marfan syndrome, classic; FBN1-Related Marfan Syndrome. Identifiers: Orphanet 284963, Orphanet 558, MedGen C0024796, MONDO:0007947, OMIM 154700.
Familial thoracic aortic aneurysm and aortic dissection (TAAD). Also called: Thoracic aortic aneurysms and dissections. Identifiers: Orphanet 91387, MedGen C4707243, MONDO:0019625.

Submission:

Labcorp Genetics (formerly Invitae), Labcorp
Classification: Pathogenic for Marfan syndrome; Familial thoracic aortic aneurysm and aortic dissection. Last evaluated: 2023-09-06. Review status: criteria provided, single submitter. Criteria: Invitae Variant Classification Sherloc (09022015). Collection method: clinical testing. Allele origin: germline.
Comment: For these reasons, this variant has been classified as Pathogenic. This variant has not been reported in the literature in individuals affected with FBN1-related conditions. This variant is not present in population databases (gnomAD no frequency). This sequence change creates a premature translational stop signal (p.Asp1232Glufs*8) in the FBN1 gene. It is expected to result in an absent or disrupted protein product. Loss-of-function variants in FBN1 are known to be pathogenic (PMID: 17657824, 19293843).

Literature cited by the submitters: PubMed 17657824; PubMed 19293843.

NM_000138.5(FBN1):c.3693_3697del (p.Asp1232fs)

Gene: FBN1 (fibrillin 1; minus strand). Cytogenetic location: 15q21.1.
Variant type: Deletion.
Coding change: c.3693_3697del on transcript NM_000138.5 (MANE Select); coding-DNA positions 3693 to 3697, 5 bases deleted (TGACC; older notation c.3693_3697delTGACC).
Protein change: p.Asp1232fs; shifts the reading frame from aspartic acid 1232.
Molecular consequence: frameshift variant.
Genome position (GRCh38, 1-based): chr15:48,485,389-48,485,393, GGTCA deleted on the plus strand (TGACC on the coding strand, the reverse complement: FBN1 is on the minus strand); deleting any 5 consecutive bases within chr15:48,485,389-48,485,395 gives the same sequence; the c. name uses the placement nearest the transcript's 3' end. VCF-style (leftmost placement, unchanged base first): chr15-48485388-TGGTCA-T. GRCh37 (hg19) VCF-style: chr15-48777585-TGGTCA-T.
Other names: c.3693_3697del, p.Asp1232fs (NM_001406716.1); short protein forms D1232fs.
Identifiers: ClinVar variation 2951657 (VCV002951657.3), dbSNP rs2505544729, ClinGen allele CA2740096708.